The following is an entry in ClinVar:

ClinVar aggregate classification (germline): Likely benign (0 of 4 stars; one submission).

Conditions:
SDCCAG8-related disorder. Also called: SDCCAG8-Related Disorders; SDCCAG8-related condition.

Submission:

PreventionGenetics, part of Exact Sciences
Classification: Likely benign for SDCCAG8-related condition. Last evaluated: 2022-12-29. Review status: no assertion criteria provided. Collection method: clinical testing. Allele origin: germline.
Comment: This variant is classified as likely benign based on ACMG/AMP sequence variant interpretation guidelines (Richards et al. 2015 PMID: 25741868, with internal and published modifications).

NM_006642.5(SDCCAG8):c.740+354C>G

Gene: SDCCAG8 (SHH signaling and ciliogenesis regulator SDCCAG8; plus strand). Cytogenetic location: 1q43.
Variant type: single nucleotide variant.
Coding change: c.740+354C>G on transcript NM_006642.5 (MANE Select); 354 bases into the intron after coding-DNA position 740, C replaced by G.
Molecular consequence: intron variant. On other transcripts: 5 prime UTR variant (1).
Genome position (GRCh38, 1-based): chr1:243,305,131, C>G. VCF-style: chr1-243305131-C-G. GRCh37 (hg19) VCF-style: chr1-243468433-C-G.
Other names: c.-418C>G (NM_001350251.2); c.446+354C>G (NM_001350249.2); c.836+354C>G (NM_001350248.2); c.-261+8C>G (NM_001350246.2); c.-261+354C>G (NM_001350247.2).
Identifiers: ClinVar variation 3035763 (VCV003035763.2), dbSNP rs2547879467, ClinGen allele CA2740092663.